The following is an entry in ClinVar:

NM_033064.5(ATCAY):c.*7G>A

Gene: ATCAY (ATCAY kinesin light chain interacting caytaxin; plus strand). Cytogenetic location: 19p13.3.
Variant type: single nucleotide variant.
Coding change: c.*7G>A on transcript NM_033064.5 (MANE Select); 7 bases downstream of the stop codon, G replaced by A.
Molecular consequence: 3 prime UTR variant.
Genome position (GRCh38, 1-based): chr19:3,924,599, G>A. VCF-style: chr19-3924599-G-A. GRCh37 (hg19) VCF-style: chr19-3924597-G-A.
Identifiers: ClinVar variation 892892 (VCV000892892.5), dbSNP rs60814801, ClinGen allele CA9087497.
Genomic context (GRCh38, chr19:3,924,599, plus strand): 5'-TAACATTAACAGCAATAACTTGGCCTGTGTCTTTCCCTCCCTAGCATGTCCTGAGGCGAC[G>A]TGAGCATAACAAAGGACATGGAAGAAGATTCCAGATGCCAGAAAACCTCTGTCAGACGCC-3'

ClinVar aggregate classification (germline): Benign. Review status: criteria provided, multiple submitters, no conflicts (2 of 4 stars). 2 submissions from 2 submitters: Benign (2). Last evaluated 2024-02-02.

Conditions:
Cayman type cerebellar ataxia. Also called: Cayman ataxia. Identifiers: Orphanet 94122, MedGen C1832585, MONDO:0011025, OMIM 601238.

Allele frequency attached by ClinVar (database versions not stated): gnomAD exomes 0.00051 and 0.00123; ExAC 0.00159; 1000 Genomes Project 0.00419; 1000 Genomes Project 30x 0.00500; gnomAD 0.00538 and 0.00577; TOPMed 0.00559; ESP Exome Variant Server 0.00583.
gnomAD v4.1: 1,624 of 1,613,666 alleles (0.1%); highest among the groups gnomAD compares: African/African-American, 1.9%; 12 homozygotes.

Submissions (2):

Mayo Clinic Laboratories, Mayo Clinic
Classification: Benign. Last evaluated: 2024-02-02. Review status: criteria provided, single submitter. Criteria: ACMG Guidelines, 2015. Collection method: clinical testing. Allele origin: germline. Observed: 2 variant alleles.
Comment: BS1, BS2

Illumina Laboratory Services, Illumina
Classification: Benign for Cayman type cerebellar ataxia. Last evaluated: 2018-01-12. Review status: criteria provided, single submitter. Criteria: ICSL Variant Classification Criteria 13 December 2019. Collection method: clinical testing. Allele origin: germline.
Comment: This variant was observed in the ICSL laboratory as part of a predisposition screen in an ostensibly healthy population. It had not been previously curated by ICSL or reported in the Human Gene Mutation Database (HGMD: prior to June 1st, 2018), and was therefore a candidate for classification through an automated scoring system. Utilizing variant allele frequency, disease prevalence and penetrance estimates, and inheritance mode, an automated score was calculated to assess if this variant is too frequent to cause the disease. Based on the score and internal cut-off values, a variant classified as benign is not then subjected to further curation. The score for this variant resulted in a classification of benign for this disease.